The following is an entry in ClinVar:

NM_133261.3(GIPC3):c.685del (p.Ala229fs)

Gene: GIPC3 (GIPC PDZ domain containing family member 3; plus strand). Cytogenetic location: 19p13.3.
Variant type: Deletion.
Coding change: c.685del on transcript NM_133261.3 (MANE Select); coding-DNA position 685, one base deleted (G; older notation c.685delG).
Protein change: p.Ala229fs; shifts the reading frame from alanine 229.
Molecular consequence: frameshift variant.
Genome position (GRCh38, 1-based): chr19:3,589,535, G deleted; the last of 7 consecutive G bases (chr19:3,589,529-3,589,535); deleting any one gives the same sequence. VCF-style (leftmost placement, unchanged base first): chr19-3589528-TG-T. GRCh37 (hg19) VCF-style: chr19-3589526-TG-T.
Other names: c.685del, p.Ala229fs (NM_001411144.1); short protein forms A229fs.
Identifiers: ClinVar variation 5005969 (VCV005005969.2).

ClinVar aggregate classification (germline): Pathogenic (1 of 4 stars; one submission).

Conditions:
Autosomal recessive nonsyndromic hearing loss 15. Also called: DEAFNESS, AUTOSOMAL RECESSIVE 15; DEAFNESS, AUTOSOMAL RECESSIVE 72; DEAFNESS, AUTOSOMAL RECESSIVE 95. Identifiers: Orphanet 90636, MedGen C1866094, MONDO:0011160, OMIM 601869.

Submission:

Juno Genomics, Hangzhou Juno Genomics, Inc
Classification: Pathogenic for Autosomal recessive nonsyndromic hearing loss 15. Review status: criteria provided, single submitter. Criteria: ACMG Guidelines, 2015. Collection method: clinical testing. Allele origin: germline.
Comment: Absent from controls (or at extremely low frequency if recessive) in Genome Aggregation Database.;Null variant in a gene where loss of function (LOF) is a known mechanism of disease.;For recessive disorders, detected in trans with a pathogenic variant.